The following is an entry in ClinVar:

ClinVar aggregate classification (germline): Pathogenic (1 of 4 stars; one submission).

Conditions:
Neurodevelopmental disorder with or without autism or seizures (NEDAUS). Identifiers: MedGen C5543225, MONDO:0030994, OMIM 619239.

Submission:

Hadassah Hebrew University Medical Center
Classification: Pathogenic for Neurodevelopmental disorder with or without autism or seizures. Last evaluated: 2025-10-01. Review status: criteria provided, single submitter. Criteria: ACMG Guidelines, 2015. Collection method: clinical testing. Allele origin: de novo. Affected: yes.
Comment: This variant is absent from the global population databases (PM2_Moderate); Null variant in a gene where Loss-of-function is a known mechanism of disease (PVS1_Very strong); De novo (PS2_Strong)

Literature cited by the submitters: PubMed 32341456.

NM_003590.5(CUL3):c.1610+2T>C

Gene: CUL3 (cullin 3; minus strand). Cytogenetic location: 2q36.2.
Variant type: single nucleotide variant.
Coding change: c.1610+2T>C on transcript NM_003590.5 (MANE Select); the canonical splice donor site of the intron after coding-DNA position 1610, T replaced by C.
Molecular consequence: splice donor variant.
Genome position (GRCh38, 1-based): chr2:224,500,361, A>G on the plus strand (T>C on the coding strand, the complement: CUL3 is on the minus strand). VCF-style: chr2-224500361-A-G. GRCh37 (hg19) VCF-style: chr2-225365078-A-G.
Other names: c.1412+2T>C (NM_001257197.2); c.1628+2T>C (NM_001257198.2).
Identifiers: ClinVar variation 4526705 (VCV004526705.1).